The following is an entry in ClinVar:

ClinVar aggregate classification (germline): Likely pathogenic (1 of 4 stars; one submission).

Conditions:
Congenital myasthenic syndrome (CMS). Also called: Congenital Myasthenic Syndromes. Identifiers: Orphanet 590, MedGen C0751882, MeSH D020294, MONDO:0018940.

gnomAD v4.1: 1 of 1,614,038 alleles (0.000062%); highest among the groups gnomAD compares: East Asian, 0.0022%; no homozygotes.

Submission:

Natera, Inc.
Classification: Likely pathogenic for Congenital myasthenic syndrome. Last evaluated: 2025-08-21. Review status: criteria provided, single submitter. Criteria: Natera Variant Classification Schema (03/2026). Collection method: clinical testing. Allele origin: germline.
Comment: The c.729C>A variant in CHRNE is a nonsense variant predicted to introduce a stop codon at amino acid 243. This variant is expected to result in nonsense mediated decay, truncation, or a dysfunctional protein product. This variant is rare in the general population with a frequency below the threshold expected for the associated phenotype(s). Given the available evidence, this variant is classified as Likely Pathogenic.

NM_000080.4(CHRNE):c.729C>A (p.Tyr243Ter)

Genes: C17orf107 (chromosome 17 open reading frame 107; plus strand), CHRNE (cholinergic receptor nicotinic epsilon subunit; minus strand). Cytogenetic location: 17p13.2.
Variant type: single nucleotide variant.
Coding change: c.729C>A on transcript NM_000080.4 (MANE Select); coding-DNA position 729, C replaced by A.
Protein change: p.Tyr243Ter; replaces tyrosine 243 with a stop codon.
Molecular consequence: nonsense. On other transcripts: 3 prime UTR variant (1).
Genome position (GRCh38, 1-based): chr17:4,901,063, G>T on the plus strand (C>A on the coding strand, the complement: CHRNE is on the minus strand). VCF-style: chr17-4901063-G-T. GRCh37 (hg19) VCF-style: chr17-4804358-G-T.
Other names: c.*530G>T (NM_001145536.2); short protein forms Y243*.
Identifiers: ClinVar variation 4816963 (VCV004816963.1).